The following is an entry in ClinVar:

NM_001723.7(DST):c.3751A>T (p.Thr1251Ser)

Gene: DST (dystonin; minus strand). Cytogenetic location: 6p12.1.
Variant type: single nucleotide variant.
Coding change: c.3751A>T on transcript NM_001723.7 (MANE Plus Clinical); coding-DNA position 3751, A replaced by T.
Protein change: p.Thr1251Ser; replaces threonine 1251 with serine.
Molecular consequence: missense variant. On other transcripts: intron variant (10).
Genome position (GRCh38, 1-based): chr6:56,620,283, T>A on the plus strand (A>T on the coding strand, the complement: DST is on the minus strand). VCF-style: chr6-56620283-T-A. GRCh37 (hg19) VCF-style: chr6-56485081-T-A.
Other names: c.4830+4247A>T (NM_001144769.5); c.4929+4247A>T (NM_001374722.1, NM_001374736.1); c.4956+4247A>T (NM_001374734.1); c.4416+4247A>T (NM_001144770.2); c.4296+4247A>T (NM_001374730.1, NM_001386100.1, NM_183380.4 and 1 more transcripts); c.3318+4247A>T (NM_015548.5); short protein forms T1251S.
Identifiers: ClinVar variation 1038586 (VCV001038586.9), dbSNP rs970996412, ClinGen allele CA364571223.

ClinVar aggregate classification (germline): Uncertain significance (1 of 4 stars; one submission).

Conditions:
Hereditary sensory and autonomic neuropathy type 6. Also called: Neuropathy, hereditary sensory and autonomic, type VI; HSAN VI. Identifiers: Orphanet 314381, MedGen C3539003, MONDO:0013839, OMIM 614653.
Epidermolysis bullosa simplex 3, localized or generalized intermediate, with BP230 deficiency (EBS3). Also called: Epidermolysis bullosa simplex, autosomal recessive 2; Epidermolysis bullosa simplex due to BP230 deficiency. Identifiers: Orphanet 412181, MedGen C3809470, MONDO:0014180, OMIM 615425.

Submission:

Labcorp Genetics (formerly Invitae), Labcorp
Classification: Uncertain significance for Epidermolysis bullosa simplex 3, localized or generalized intermediate, with BP230 deficiency; Hereditary sensory and autonomic neuropathy type 6. Last evaluated: 2020-07-31. Review status: criteria provided, single submitter. Criteria: Invitae Variant Classification Sherloc (09022015). Collection method: clinical testing. Allele origin: germline.
Comment: In summary, the available evidence is currently insufficient to determine the role of this variant in disease. Therefore, it has been classified as a Variant of Uncertain Significance. Algorithms developed to predict the effect of missense changes on protein structure and function (SIFT, PolyPhen-2, Align-GVGD) all suggest that this variant is likely to be tolerated, but these predictions have not been confirmed by published functional studies and their clinical significance is uncertain. This variant has not been reported in the literature in individuals with DST-related conditions. This variant is not present in population databases (ExAC no frequency). This sequence change replaces threonine with serine at codon 1251 of the DST protein (p.Thr1251Ser). The threonine residue is weakly conserved and there is a small physicochemical difference between threonine and serine.